The following is an entry in ClinVar:

ClinVar aggregate classification (germline): Uncertain significance (1 of 4 stars; one submission).

Conditions:
Charcot-Marie-Tooth disease type 4. Also called: Charcot-Marie-Tooth disease, type IV; Charcot-Marie-Tooth, Type 4. Identifiers: Orphanet 64749, MedGen C4082197, MONDO:0018995.

Allele frequency attached by ClinVar (database versions not stated): ExAC 0.00001; gnomAD exomes 0.00001; gnomAD 0.00001; TOPMed 0.00001.
gnomAD v4.1: 10 of 1,612,876 alleles (0.00062%); highest among the groups gnomAD compares: African/African-American, 0.0013%; no homozygotes.

Submission:

Labcorp Genetics (formerly Invitae), Labcorp
Classification: Uncertain significance for Charcot-Marie-Tooth disease type 4. Last evaluated: 2022-08-21. Review status: criteria provided, single submitter. Criteria: Invitae Variant Classification Sherloc (09022015). Collection method: clinical testing. Allele origin: germline.
Comment: This sequence change replaces valine, which is neutral and non-polar, with alanine, which is neutral and non-polar, at codon 533 of the SBF2 protein (p.Val533Ala). This variant is present in population databases (rs756897983, gnomAD 0.0009%). This variant has not been reported in the literature in individuals affected with SBF2-related conditions. ClinVar contains an entry for this variant (Variation ID: 1479947). Algorithms developed to predict the effect of missense changes on protein structure and function are either unavailable or do not agree on the potential impact of this missense change (SIFT: "Deleterious"; PolyPhen-2: "Benign"; Align-GVGD: "Class C0"). In summary, the available evidence is currently insufficient to determine the role of this variant in disease. Therefore, it has been classified as a Variant of Uncertain Significance.

NM_030962.4(SBF2):c.1598T>C (p.Val533Ala)

Gene: SBF2 (SET binding factor 2; minus strand). Cytogenetic location: 11p15.4.
Variant type: single nucleotide variant.
Coding change: c.1598T>C on transcript NM_030962.4 (MANE Select); coding-DNA position 1598, T replaced by C.
Protein change: p.Val533Ala; replaces valine 533 with alanine.
Molecular consequence: missense variant.
Genome position (GRCh38, 1-based): chr11:9,968,343, A>G on the plus strand (T>C on the coding strand, the complement: SBF2 is on the minus strand). VCF-style: chr11-9968343-A-G. GRCh37 (hg19) VCF-style: chr11-9989890-A-G.
Other names: c.1598T>C, p.Val533Ala (NM_001386339.1); c.1469T>C, p.Val490Ala (NM_001386342.1); short protein forms V490A, V533A.
Identifiers: ClinVar variation 1479947 (VCV001479947.5), dbSNP rs756897983, ClinGen allele CA5881799.